The following is an entry in ClinVar:

NM_000701.8(ATP1A1):c.2063T>C (p.Ile688Thr)

Genes: ATP1A1 (ATPase Na+/K+ transporting subunit alpha 1; plus strand), ATP1A1-AS1 (ATP1A1 antisense RNA 1; minus strand). Cytogenetic location: 1p13.1.
Variant type: single nucleotide variant.
Coding change: c.2063T>C on transcript NM_000701.8 (MANE Select); coding-DNA position 2063, T replaced by C.
Protein change: p.Ile688Thr; replaces isoleucine 688 with threonine.
Molecular consequence: missense variant.
Genome position (GRCh38, 1-based): chr1:116,397,977, T>C. VCF-style: chr1-116397977-T-C. GRCh37 (hg19) VCF-style: chr1-116940599-T-C.
Other names: c.2063T>C, p.Ile688Thr (NM_001160233.2); c.1970T>C, p.Ile657Thr (NM_001160234.2); short protein forms I657T, I688T.
Identifiers: ClinVar variation 4809948 (VCV004809948.1).

ClinVar aggregate classification (germline): Uncertain significance (1 of 4 stars; one submission).

gnomAD v4.1: 3 of 1,613,744 alleles (0.00019%); highest among the groups gnomAD compares: Non-Finnish European, 0.00017%; no homozygotes.

Submission:

Labcorp Genetics (formerly Invitae), Labcorp
Classification: Uncertain significance. Last evaluated: 2025-11-28. Review status: criteria provided, single submitter. Criteria: Invitae Variant Classification Sherloc (09022015). Collection method: clinical testing. Allele origin: germline.
Comment: This sequence change replaces isoleucine, which is neutral and non-polar, with threonine, which is neutral and polar, at codon 688 of the ATP1A1 protein (p.Ile688Thr). This variant is not present in population databases (gnomAD no frequency). This variant has not been reported in the literature in individuals affected with ATP1A1-related conditions. Invitae Evidence Modeling of protein sequence and biophysical properties (such as structural, functional, and spatial information, amino acid conservation, physicochemical variation, residue mobility, and thermodynamic stability) indicates that this missense variant is expected to disrupt ATP1A1 protein function with a positive predictive value of 80%. In summary, the available evidence is currently insufficient to determine the role of this variant in disease. Therefore, it has been classified as a Variant of Uncertain Significance.